The following is an entry in ClinVar:

NM_032237.5(POMK):c.236C>G (p.Thr79Arg)

Gene: POMK (protein O-mannose kinase; plus strand). Cytogenetic location: 8p11.21.
Variant type: single nucleotide variant.
Coding change: c.236C>G on transcript NM_032237.5 (MANE Select); coding-DNA position 236, C replaced by G.
Protein change: p.Thr79Arg; replaces threonine 79 with arginine.
Molecular consequence: missense variant.
Genome position (GRCh38, 1-based): chr8:43,103,784, C>G. VCF-style: chr8-43103784-C-G. GRCh37 (hg19) VCF-style: chr8-42958927-C-G.
Other names: c.236C>G, p.Thr79Arg (NM_001277971.2); c.236C>G (NM_032237.3); short protein forms T79R.
Identifiers: ClinVar variation 1362540 (VCV001362540.6), dbSNP rs773908820, ClinGen allele CA4736223.

ClinVar aggregate classification (germline): Uncertain significance. Review status: criteria provided, multiple submitters, no conflicts (2 of 4 stars). 3 submissions from 3 submitters: Uncertain significance (3). Last evaluated 2024-12-16.

Conditions:
Inborn genetic diseases. Identifiers: MedGen C0950123, MeSH D030342.
Muscular dystrophy-dystroglycanopathy (congenital with brain and eye anomalies), type a, 12 (MDDGA12). Also called: WALKER-WARBURG SYNDROME OR MUSCLE-EYE-BRAIN DISEASE, POMK-RELATED. Identifiers: Orphanet 899, MedGen C3808964, MONDO:0014101, OMIM 615249.
Limb-girdle muscular dystrophy due to POMK deficiency. Also called: Muscular dystrophy-dystroglycanopathy (limb-girdle), type c, 12; MUSCULAR DYSTROPHY-DYSTROGLYCANOPATHY, LIMB-GIRDLE, POMK-RELATED. Identifiers: Orphanet 445110, MedGen C4015184, MONDO:0014489, OMIM 616094.

Allele frequency attached by ClinVar (database versions not stated): gnomAD exomes 0.00001 and 0.00004; ExAC 0.00003.
gnomAD v4.1: 17 of 1,614,226 alleles (0.0011%); highest among the groups gnomAD compares: South Asian, 0.018%; no homozygotes.

Submissions (3):

Revvity Omics, Revvity
Classification: Uncertain significance. Last evaluated: 2024-12-16. Review status: criteria provided, single submitter. Criteria: ACMG Guidelines, 2015. Collection method: clinical testing. Allele origin: germline.

Ambry Genetics
Classification: Uncertain significance for Inborn genetic diseases. Last evaluated: 2024-07-09. Review status: criteria provided, single submitter. Criteria: Ambry Variant Classification Scheme 2023. Collection method: clinical testing. Allele origin: germline.

Labcorp Genetics (formerly Invitae), Labcorp
Classification: Uncertain significance for Muscular dystrophy-dystroglycanopathy (congenital with brain and eye anomalies), type a, 12; Limb-girdle muscular dystrophy due to POMK deficiency. Last evaluated: 2022-09-07. Review status: criteria provided, single submitter. Criteria: Invitae Variant Classification Sherloc (09022015). Collection method: clinical testing. Allele origin: germline.
Comment: This sequence change replaces threonine, which is neutral and polar, with arginine, which is basic and polar, at codon 79 of the POMK protein (p.Thr79Arg). This variant is present in population databases (rs773908820, gnomAD 0.03%). This variant has not been reported in the literature in individuals affected with POMK-related conditions. ClinVar contains an entry for this variant (Variation ID: 1362540). Algorithms developed to predict the effect of missense changes on protein structure and function (SIFT, PolyPhen-2, Align-GVGD) all suggest that this variant is likely to be tolerated. In summary, the available evidence is currently insufficient to determine the role of this variant in disease. Therefore, it has been classified as a Variant of Uncertain Significance.